The following is an entry in ClinVar:

ClinVar aggregate classification (germline): Uncertain significance. Review status: criteria provided, multiple submitters, no conflicts (2 of 4 stars). 2 submissions from 2 submitters: Uncertain significance (2). Last evaluated 2024-12-24.

Conditions:
Charcot-Marie-Tooth disease, demyelinating, type 1J. Also called: CHARCOT-MARIE-TOOTH NEUROPATHY, DEMYELINATING, TYPE 1J. Identifiers: MedGen C5774249, MONDO:0859311, OMIM 620111.
Diabetes mellitus type 1 (T1D). Also called: Diabetes Mellitus, Juvenile-Onset; Type I diabetes mellitus. Identifiers: MedGen C0011854, MONDO:0005147, OMIM 222100, HP:0100651.

Allele frequency attached by ClinVar (database versions not stated): ExAC 0.00003; gnomAD 0.00003; TOPMed 0.00004.
gnomAD v4.1: 23 of 1,584,038 alleles (0.0015%); highest among the groups gnomAD compares: Middle Eastern, 0.017%; no homozygotes.

Submissions (2):

Ambry Genetics
Classification: Uncertain significance. Last evaluated: 2024-12-24. Review status: criteria provided, single submitter. Criteria: Ambry Variant Classification Scheme 2023. Collection method: clinical testing. Allele origin: germline.

Juno Genomics, Hangzhou Juno Genomics, Inc
Classification: Uncertain significance for Charcot-Marie-Tooth disease, demyelinating, type 1J; Diabetes mellitus type 1. Review status: criteria provided, single submitter. Criteria: ACMG Guidelines, 2015. Collection method: clinical testing. Allele origin: germline.
Comment: Absent from controls (or at extremely low frequency if recessive) in Genome Aggregation Database.;Missense variant in a gene that has a low rate of benign missense variation.

NM_002224.4(ITPR3):c.4519C>T (p.Arg1507Cys)

Gene: ITPR3 (inositol 1,4,5-trisphosphate receptor type 3; plus strand). Cytogenetic location: 6p21.31.
Variant type: single nucleotide variant.
Coding change: c.4519C>T on transcript NM_002224.4 (MANE Select); coding-DNA position 4519, C replaced by T.
Protein change: p.Arg1507Cys; replaces arginine 1507 with cysteine.
Molecular consequence: missense variant.
Genome position (GRCh38, 1-based): chr6:33,682,566, C>T. VCF-style: chr6-33682566-C-T. GRCh37 (hg19) VCF-style: chr6-33650343-C-T.
Other names: short protein forms R1507C.
Identifiers: ClinVar variation 2355679 (VCV002355679.5), dbSNP rs746407544, ClinGen allele CA3761270.